The following is an entry in ClinVar:

NM_001354930.2(RIPK1):c.212G>C (p.Arg71Thr)

Gene: RIPK1 (receptor interacting serine/threonine kinase 1; plus strand). Cytogenetic location: 6p25.2.
Variant type: single nucleotide variant.
Coding change: c.212G>C on transcript NM_001354930.2 (MANE Select); coding-DNA position 212, G replaced by C.
Protein change: p.Arg71Thr; replaces arginine 71 with threonine.
Molecular consequence: missense variant. On other transcripts: 5 prime UTR variant (4).
Genome position (GRCh38, 1-based): chr6:3,077,826, G>C. VCF-style: chr6-3077826-G-C. GRCh37 (hg19) VCF-style: chr6-3078060-G-C.
Other names: c.212G>C (NM_003804.3); c.-392G>C (NM_001317061.3, NM_001354932.2, NM_001354933.2 and 1 more transcripts); c.212G>C, p.Arg71Thr (NM_001354931.2, NM_003804.6); short protein forms R71T.
Identifiers: ClinVar variation 1175735 (VCV001175735.44), dbSNP rs201373013, ClinGen allele CA3618117.
Genomic context (GRCh38, chr6:3,077,826, plus strand): 5'-TTCCTGCCCACAGGCACAACGAGGCCCTCTTGGAGGAGGCGAAGATGATGAACAGACTGA[G>C]ACACAGCCGGGTGGTGAAGCTCCTGGGCGTCATCATAGAGGAAGGGAAGTACTCCCTGGT-3'
Protein context (NP_001341859.1, residues 61-81): LEEAKMMNRL[Arg71Thr]HSRVVKLLGV

ClinVar aggregate classification (germline): Uncertain significance. Review status: criteria provided, multiple submitters, no conflicts (2 of 4 stars). 4 submissions from 4 submitters: Uncertain significance (4). Last evaluated 2025-08-18.

Conditions:
Inborn genetic diseases. Identifiers: MedGen C0950123, MeSH D030342.

Allele frequency attached by ClinVar (database versions not stated): ExAC 0.00007; gnomAD exomes 0.00008 and 0.00013; gnomAD 0.00009 and 0.00010; TOPMed 0.00009; ESP Exome Variant Server 0.00023.
gnomAD v4.1: 217 of 1,614,124 alleles (0.013%); highest among the groups gnomAD compares: Non-Finnish European, 0.016%; no homozygotes.

Submissions (4):

Labcorp Genetics (formerly Invitae), Labcorp
Classification: Uncertain significance. Last evaluated: 2025-08-18. Review status: criteria provided, single submitter. Criteria: Invitae Variant Classification Sherloc (09022015). Collection method: clinical testing. Allele origin: germline.
Comment: This sequence change replaces arginine, which is basic and polar, with threonine, which is neutral and polar, at codon 71 of the RIPK1 protein (p.Arg71Thr). This variant is present in population databases (rs201373013, gnomAD 0.01%). This variant has not been reported in the literature in individuals affected with RIPK1-related conditions. ClinVar contains an entry for this variant (Variation ID: 1175735). An algorithm developed to predict the effect of missense changes on protein structure and function (PolyPhen-2) suggests that this variant is likely to be tolerated. In summary, the available evidence is currently insufficient to determine the role of this variant in disease. Therefore, it has been classified as a Variant of Uncertain Significance.

Ambry Genetics
Classification: Uncertain significance for Inborn genetic diseases. Last evaluated: 2023-12-22. Review status: criteria provided, single submitter. Criteria: Ambry Variant Classification Scheme 2023. Collection method: clinical testing. Allele origin: germline.

CeGaT Center for Human Genetics Tuebingen
Classification: Uncertain significance. Last evaluated: 2021-06-01. Review status: criteria provided, single submitter. Criteria: CeGaT Center For Human Genetics Tuebingen Variant Classification Criteria Version 2. Collection method: clinical testing. Allele origin: germline. Affected: yes. Observed: 1 variant allele.

Blueprint Genetics
Classification: Uncertain significance. Last evaluated: 2020-04-07. Review status: criteria provided, single submitter. Criteria: ACMG Guidelines, 2015. Collection method: clinical testing. Allele origin: germline.